The following is an entry in ClinVar:

NM_003718.5(CDK13):c.4382_4385del (p.Asn1461fs)

Gene: CDK13 (cyclin dependent kinase 13; plus strand). Cytogenetic location: 7p14.1.
Variant type: Deletion.
Coding change: c.4382_4385del on transcript NM_003718.5 (MANE Select); coding-DNA positions 4382 to 4385, 4 bases deleted (ACTA; older notation c.4382_4385delACTA).
Protein change: p.Asn1461fs; shifts the reading frame from asparagine 1461.
Molecular consequence: frameshift variant.
Genome position (GRCh38, 1-based): chr7:40,094,823-40,094,826, ACTA deleted; deleting any 4 consecutive bases within chr7:40,094,821-40,094,826 gives the same sequence; the c. name uses the placement nearest the transcript's 3' end. VCF-style (leftmost placement, unchanged base first): chr7-40094820-ATAAC-A. GRCh37 (hg19) VCF-style: chr7-40134419-ATAAC-A.
Other names: c.4202_4205delACTA, p.Asn1401Metfs (NM_031267.4); short protein forms N1401fs, N1461fs.
Identifiers: ClinVar variation 1309648 (VCV001309648.2), dbSNP rs2150548880, ClinGen allele CA2573052872.

ClinVar aggregate classification (germline): Uncertain significance (1 of 4 stars; one submission).

Submission:

GeneDx
Classification: Uncertain significance. Last evaluated: 2019-10-31. Review status: criteria provided, single submitter. Criteria: GeneDx Variant Classification Process June 2021. Collection method: clinical testing. Allele origin: germline. Affected: yes.
Comment: Not observed in large population cohorts (Lek et al., 2016); Frameshift variant predicted to cause a protein extension as the last 52 amino acids are replaced with 80 incorrect amino acids; Has not been previously published as pathogenic or benign to our knowledge